The following is an entry in ClinVar:

ClinVar aggregate classification (germline): Uncertain significance. Review status: criteria provided, multiple submitters, no conflicts (2 of 4 stars). 2 submissions from 2 submitters: Uncertain significance (2). Last evaluated 2024-12-19.

Conditions:
Familial sleep-related hypermotor epilepsy. Also called: Autosomal Dominant Sleep-Related Hypermotor (Hyperkinetic) Epilepsy. Identifiers: Orphanet 98784, MedGen C3696898, MONDO:0000030.
Inborn genetic diseases. Identifiers: MedGen C0950123, MeSH D030342.

Submissions (2):

Labcorp Genetics (formerly Invitae), Labcorp
Classification: Uncertain significance. Last evaluated: 2024-12-19. Review status: criteria provided, single submitter. Criteria: Invitae Variant Classification Sherloc (09022015). Collection method: clinical testing. Allele origin: germline.
Comment: This sequence change replaces asparagine, which is neutral and polar, with lysine, which is basic and polar, at codon 134 of the CHRNB2 protein (p.Asn134Lys). This variant is not present in population databases (gnomAD no frequency). This variant has not been reported in the literature in individuals affected with CHRNB2-related conditions. ClinVar contains an entry for this variant (Variation ID: 1450968). Invitae Evidence Modeling of protein sequence and biophysical properties (such as structural, functional, and spatial information, amino acid conservation, physicochemical variation, residue mobility, and thermodynamic stability) indicates that this missense variant is not expected to disrupt CHRNB2 protein function with a negative predictive value of 80%. In summary, the available evidence is currently insufficient to determine the role of this variant in disease. Therefore, it has been classified as a Variant of Uncertain Significance.

Ambry Genetics
Classification: Uncertain significance for Inborn genetic diseases. Last evaluated: 2023-02-15. Review status: criteria provided, single submitter. Criteria: Ambry Variant Classification Scheme 2023. Collection method: clinical testing. Allele origin: germline.

NM_000748.3(CHRNB2):c.402T>A (p.Asn134Lys)

Gene: CHRNB2 (cholinergic receptor nicotinic beta 2 subunit; plus strand). Cytogenetic location: 1q21.3.
Variant type: single nucleotide variant.
Coding change: c.402T>A on transcript NM_000748.3 (MANE Select); coding-DNA position 402, T replaced by A.
Protein change: p.Asn134Lys; replaces asparagine 134 with lysine.
Molecular consequence: missense variant.
Genome position (GRCh38, 1-based): chr1:154,571,225, T>A. VCF-style: chr1-154571225-T-A. GRCh37 (hg19) VCF-style: chr1-154543701-T-A.
Other names: c.402T>A (NM_000748.2); short protein forms N134K.
Identifiers: ClinVar variation 1450968 (VCV001450968.9), dbSNP rs760458701, ClinGen allele CA342629946.
Genomic context (GRCh38, chr1:154,571,225, plus strand): 5'-CTGACTGTGCCCATCCTTTGGCAGTGCTGACGGCATGTACGAGGTGTCCTTCTATTCCAA[T>A]GCCGTGGTCTCCTATGATGGCAGCATCTTCTGGCTGCCGCCTGCCATCTACAAGAGCGCA-3'
Protein context (NP_000739.1, residues 124-144): DGMYEVSFYS[Asn134Lys]AVVSYDGSIF